The following is an entry in ClinVar:

NM_003072.5(SMARCA4):c.4639T>G (p.Tyr1547Asp)

Gene: SMARCA4 (SWI/SNF related BAF chromatin remodeling complex subunit ATPase 4; plus strand). Cytogenetic location: 19p13.2.
Variant type: single nucleotide variant.
Coding change: c.4639T>G on transcript NM_003072.5 (MANE Select); coding-DNA position 4639, T replaced by G.
Protein change: p.Tyr1547Asp; replaces tyrosine 1547 with aspartic acid.
Molecular consequence: missense variant. On other transcripts: non-coding transcript variant (1).
Genome position (GRCh38, 1-based): chr19:11,059,756, T>G. VCF-style: chr19-11059756-T-G. GRCh37 (hg19) VCF-style: chr19-11170432-T-G.
Other names: c.4639T>G, p.Tyr1547Asp (NM_001128844.3); c.4549T>G, p.Tyr1517Asp (NM_001128845.2); c.4546T>G, p.Tyr1516Asp (NM_001128846.2); c.4540T>G, p.Tyr1514Asp (NM_001128847.4, NM_001374457.1); c.4537T>G, p.Tyr1513Asp (NM_001128848.2); c.4735T>G, p.Tyr1579Asp (NM_001128849.3, NM_001387283.1); c.4636T>G, p.Tyr1546Asp (NM_001411150.1); short protein forms Y1513D, Y1514D, Y1516D, Y1517D, Y1546D, Y1547D, Y1579D.
Identifiers: ClinVar variation 4864766 (VCV004864766.1).

ClinVar aggregate classification (germline): Uncertain significance (1 of 4 stars; one submission).

Conditions:
Hereditary cancer-predisposing syndrome. Also called: Neoplastic Syndromes, Hereditary; Tumor predisposition; Hereditary Cancer Syndrome; Hereditary neoplastic syndrome. Identifiers: Orphanet 140162, MedGen C0027672, MeSH D009386, MONDO:0015356.

Submission:

Ambry Genetics
Classification: Uncertain significance for Hereditary cancer-predisposing syndrome. Last evaluated: 2026-04-19. Review status: criteria provided, single submitter. Criteria: Ambry Variant Classification Scheme 2023. Collection method: clinical testing. Allele origin: germline.
Comment: The p.Y1579D variant (also known as c.4735T>G), located in coding exon 33 of the SMARCA4 gene, results from a T to G substitution at nucleotide position 4735. The tyrosine at codon 1579 is replaced by aspartic acid, an amino acid with highly dissimilar properties. This amino acid position is conserved. In addition, this alteration is predicted to be deleterious by in silico analysis. Based on the available evidence, the clinical significance of this variant remains unclear.